The following is an entry in ClinVar:

ClinVar aggregate classification (germline): Uncertain significance (1 of 4 stars; one submission).

Conditions:
ATP11A-related disorder. Also called: ATP11A-related condition.

gnomAD v4.1: 10 of 1,614,128 alleles (0.00062%); highest among the groups gnomAD compares: Non-Finnish European, 0.00085%; no homozygotes.

Submission:

PreventionGenetics, part of Exact Sciences
Classification: Uncertain significance for ATP11A-related condition. Last evaluated: 2026-03-02. Review status: criteria provided, single submitter. Criteria: ACMG Guidelines, 2015. Collection method: clinical testing. Allele origin: germline.
Comment: The ATP11A c.2036C>T variant is predicted to result in the amino acid substitution p.Ala679Val. To our knowledge, this variant has not been reported in the literature. This variant is reported in 0.0026% of alleles in individuals of European (Non-Finnish) descent in gnomAD. At this time, the clinical significance of this variant is uncertain due to the absence of conclusive functional and genetic evidence.

NM_015205.3(ATP11A):c.2036C>T (p.Ala679Val)

Gene: ATP11A (ATPase phospholipid transporting 11A; plus strand). Cytogenetic location: 13q34.
Variant type: single nucleotide variant.
Coding change: c.2036C>T on transcript NM_015205.3 (MANE Select); coding-DNA position 2036, C replaced by T.
Protein change: p.Ala679Val; replaces alanine 679 with valine.
Molecular consequence: missense variant.
Genome position (GRCh38, 1-based): chr13:112,854,323, C>T. VCF-style: chr13-112854323-C-T. GRCh37 (hg19) VCF-style: chr13-113508637-C-T.
Other names: c.2036C>T, p.Ala679Val (NM_001405661.1, NM_001405662.1, NM_001405663.1 and 1 more transcripts); short protein forms A679V.
Identifiers: ClinVar variation 4978161 (VCV004978161.1).